The following is an entry in ClinVar:

ClinVar aggregate classification (germline): Uncertain significance. Review status: criteria provided, multiple submitters, no conflicts (2 of 4 stars). 2 submissions from 2 submitters: Uncertain significance (2). Last evaluated 2025-12-04.

Conditions:
Inborn genetic diseases. Identifiers: MedGen C0950123, MeSH D030342.
Multiple acyl-CoA dehydrogenase deficiency (MADD). Also called: ETHYLMALONIC-ADIPICACIDURIA; GA II; Glutaric aciduria, type 2; Glutaric acidemia type II; GA 2; Glutaric Acidemia type 2. Identifiers: Orphanet 26791, MedGen C0268596, MONDO:0009282, OMIM 231680.

gnomAD v4.1: 4 of 1,614,026 alleles (0.00025%); highest among the groups gnomAD compares: Non-Finnish European, 0.00034%; no homozygotes.

Submissions (2):

Ambry Genetics
Classification: Uncertain significance for Inborn genetic diseases. Last evaluated: 2025-12-04. Review status: criteria provided, single submitter. Criteria: Ambry Variant Classification Scheme 2023. Collection method: clinical testing. Allele origin: germline.

Labcorp Genetics (formerly Invitae), Labcorp
Classification: Uncertain significance for Multiple acyl-CoA dehydrogenase deficiency. Last evaluated: 2022-03-18. Review status: criteria provided, single submitter. Criteria: Invitae Variant Classification Sherloc (09022015). Collection method: clinical testing. Allele origin: germline.
Comment: This sequence change replaces glycine, which is neutral and non-polar, with arginine, which is basic and polar, at codon 28 of the ETFB protein (p.Gly28Arg). This variant is not present in population databases (gnomAD no frequency). This variant has not been reported in the literature in individuals affected with ETFB-related conditions. Algorithms developed to predict the effect of missense changes on protein structure and function (SIFT, PolyPhen-2, Align-GVGD) all suggest that this variant is likely to be disruptive. In summary, the available evidence is currently insufficient to determine the role of this variant in disease. Therefore, it has been classified as a Variant of Uncertain Significance.

NM_001985.3(ETFB):c.82G>C (p.Gly28Arg)

Gene: ETFB (electron transfer flavoprotein subunit beta; minus strand). Cytogenetic location: 19q13.41.
Variant type: single nucleotide variant.
Coding change: c.82G>C on transcript NM_001985.3 (MANE Select); coding-DNA position 82, G replaced by C.
Protein change: p.Gly28Arg; replaces glycine 28 with arginine.
Molecular consequence: missense variant.
Genome position (GRCh38, 1-based): chr19:51,354,284, C>G on the plus strand (G>C on the coding strand, the complement: ETFB is on the minus strand). VCF-style: chr19-51354284-C-G. GRCh37 (hg19) VCF-style: chr19-51857538-C-G.
Other names: c.355G>C, p.Gly119Arg (NM_001014763.1); c.82G>C (NM_001985.2); short protein forms G119R, G28R.
Identifiers: ClinVar variation 1917543 (VCV001917543.3), dbSNP rs750230877, ClinGen allele CA407083495.
Genomic context (GRCh38, chr19:51,354,284, plus strand): 5'-CCTCCACCGCGATCTCACAGAAGGGGTTCATGGAGTGCTTCACACCATCCGTGACCACAC[C>G]GGTCCTGTCAGGCTTCACTCGGATCTGCCCAGCAGGAGGGGAAGGGGTGGGGTCAGGAGG-3'
Protein context (NP_001976.1, residues 18-38): VKIRVKPDRT[Gly28Arg]VVTDGVKHSM